The following is an entry in ClinVar:

ClinVar aggregate classification (germline): Uncertain significance (1 of 4 stars; one submission).

Submission:

Labcorp Genetics (formerly Invitae), Labcorp
Classification: Uncertain significance. Last evaluated: 2025-11-07. Review status: criteria provided, single submitter. Criteria: Invitae Variant Classification Sherloc (09022015). Collection method: clinical testing. Allele origin: germline.
Comment: This sequence change replaces alanine, which is neutral and non-polar, with proline, which is neutral and non-polar, at codon 1023 of the COL11A1 protein (p.Ala1023Pro). Information on the frequency of this variant in the gnomAD database is not available, as this variant may be reported differently in the database. This variant has not been reported in the literature in individuals affected with COL11A1-related conditions. Experimental studies and prediction algorithms are not available or were not evaluated, and the functional significance of this variant is currently unknown. In summary, the available evidence is currently insufficient to determine the role of this variant in disease. Therefore, it has been classified as a Variant of Uncertain Significance.

NM_001854.4(COL11A1):c.3066_3067delinsCC (p.Ala1023Pro)

Gene: COL11A1 (collagen type XI alpha 1 chain; minus strand). Cytogenetic location: 1p21.1.
Variant type: Indel.
Coding change: c.3066_3067delinsCC on transcript NM_001854.4 (MANE Select); coding-DNA positions 3066 to 3067, AG replaced by CC.
Protein change: p.Ala1023Pro; replaces alanine 1023 with proline.
Molecular consequence: missense variant. On other transcripts: non-coding transcript variant (1).
Genome position (GRCh38, 1-based): chr1:102,962,223-102,962,224, CT replaced by GG on the plus strand (AG replaced by CC on the coding strand, the reverse complement: COL11A1 is on the minus strand). VCF-style: chr1-102962223-CT-GG. GRCh37 (hg19) VCF-style: chr1-103427779-CT-GG.
Other names: c.2949_2950delinsCC, p.Ala984Pro (NM_001190709.2); c.3102_3103delinsCC, p.Ala1035Pro (NM_080629.3); c.2718_2719delinsCC, p.Ala907Pro (NM_080630.4); short protein forms A1035P, A1023P, A907P, A984P.
Identifiers: ClinVar variation 4729188 (VCV004729188.1).
Genomic context (GRCh38, chr1:102,962,223, plus strand): 5'-ATATTGATTATACCTGAGCTCCAGGAAGACCTCTTTCCCCTGGGAAACCACGTAATCCTG[CT>GG]GGTCCATCTTTCCCTGAGATACCTTGAGGACCTGGATCACCCTAAAGAATATAATAAACA-3'
Protein context (NP_001845.3, residues 1013-1033): PQGISGKDGP[Ala1023Pro]GLRGFPGERG